The following is an entry in ClinVar:

NM_006214.4(PHYH):c.125A>G (p.Gln42Arg)

Gene: PHYH (phytanoyl-CoA 2-hydroxylase; minus strand). Cytogenetic location: 10p13.
Variant type: single nucleotide variant.
Coding change: c.125A>G on transcript NM_006214.4 (MANE Select); coding-DNA position 125, A replaced by G.
Protein change: p.Gln42Arg; replaces glutamine 42 with arginine.
Molecular consequence: missense variant. On other transcripts: 5 prime UTR variant (1), intron variant (2).
Genome position (GRCh38, 1-based): chr10:13,298,196, T>C on the plus strand (A>G on the coding strand, the complement: PHYH is on the minus strand). VCF-style: chr10-13298196-T-C. GRCh37 (hg19) VCF-style: chr10-13340196-T-C.
Other names: c.-176A>G (NM_001323080.2); c.125A>G, p.Gln42Arg (NM_001323082.2, NM_001323083.2); c.-167+1224A>G (NM_001037537.2, NM_001323084.2); short protein forms Q42R.
Identifiers: ClinVar variation 1986103 (VCV001986103.2), dbSNP rs371465545, ClinGen allele CA5412484.

ClinVar aggregate classification (germline): Uncertain significance. Review status: criteria provided, multiple submitters, no conflicts (2 of 4 stars). 2 submissions from 2 submitters: Uncertain significance (2). Last evaluated 2022-11-17.

Conditions:
Inborn genetic diseases. Identifiers: MedGen C0950123, MeSH D030342.

Allele frequency attached by ClinVar (database versions not stated): ExAC 0.00001; TOPMed 0.00002; gnomAD 0.00003; ESP Exome Variant Server 0.00008.

Submissions (2):

Ambry Genetics
Classification: Uncertain significance for Inborn genetic diseases. Last evaluated: 2022-11-17. Review status: criteria provided, single submitter. Criteria: Ambry Variant Classification Scheme 2023. Collection method: clinical testing. Allele origin: germline.

Labcorp Genetics (formerly Invitae), Labcorp
Classification: Uncertain significance. Last evaluated: 2022-06-26. Review status: criteria provided, single submitter. Criteria: Invitae Variant Classification Sherloc (09022015). Collection method: clinical testing. Allele origin: germline.
Comment: This sequence change replaces glutamine, which is neutral and polar, with arginine, which is basic and polar, at codon 42 of the PHYH protein (p.Gln42Arg). This variant is present in population databases (rs371465545, gnomAD 0.002%). This variant has not been reported in the literature in individuals affected with PHYH-related conditions. Algorithms developed to predict the effect of missense changes on protein structure and function (SIFT, PolyPhen-2, Align-GVGD) all suggest that this variant is likely to be tolerated. In summary, the available evidence is currently insufficient to determine the role of this variant in disease. Therefore, it has been classified as a Variant of Uncertain Significance.